The following is an entry in ClinVar:

ClinVar aggregate classification (germline): Uncertain significance (1 of 4 stars; one submission).

Allele frequency attached by ClinVar (database versions not stated): gnomAD 0.00001; TOPMed 0.00001.
gnomAD v4.1: 34 of 1,613,942 alleles (0.0021%); highest among the groups gnomAD compares: Non-Finnish European, 0.0029%; no homozygotes.

Submission:

Labcorp Genetics (formerly Invitae), Labcorp
Classification: Uncertain significance. Last evaluated: 2022-08-29. Review status: criteria provided, single submitter. Criteria: Invitae Variant Classification Sherloc (09022015). Collection method: clinical testing. Allele origin: germline.
Comment: This sequence change replaces isoleucine, which is neutral and non-polar, with valine, which is neutral and non-polar, at codon 241 of the TANGO2 protein (p.Ile241Val). This variant is present in population databases (no rsID available, gnomAD 0.002%). This variant has not been reported in the literature in individuals affected with TANGO2-related conditions. Algorithms developed to predict the effect of missense changes on protein structure and function output the following: SIFT: "Not Available"; PolyPhen-2: "Benign"; Align-GVGD: "Not Available". The valine amino acid residue is found in multiple mammalian species, which suggests that this missense change does not adversely affect protein function. In summary, the available evidence is currently insufficient to determine the role of this variant in disease. Therefore, it has been classified as a Variant of Uncertain Significance.

NM_152906.7(TANGO2):c.721A>G (p.Ile241Val)

Gene: TANGO2 (transport and golgi organization 2 homolog; plus strand). Cytogenetic location: 22q11.21.
Variant type: single nucleotide variant.
Coding change: c.721A>G on transcript NM_152906.7 (MANE Select); coding-DNA position 721, A replaced by G.
Protein change: p.Ile241Val; replaces isoleucine 241 with valine.
Molecular consequence: missense variant. On other transcripts: synonymous variant (1), 3 prime UTR variant (1), non-coding transcript variant (5).
Genome position (GRCh38, 1-based): chr22:20,064,552, A>G. VCF-style: chr22-20064552-A-G. GRCh37 (hg19) VCF-style: chr22-20052075-A-G.
Other names: c.721A>G, p.Ile241Val (NM_001283106.3, NM_001283116.3); c.844A>G, p.Ile282Val (NM_001283129.3, NM_001322143.2); c.719A>G, p.Tyr240Cys (NM_001283148.3, NM_001283154.3); c.535A>G, p.Ile179Val (NM_001283179.3, NM_001283186.3, NM_001322163.2 and 2 more transcripts); c.496A>G, p.Ile166Val (NM_001283199.3); c.585A>G, p.Leu195= (NM_001283215.3); c.427A>G, p.Ile143Val (NM_001283235.3, NM_001322171.2, NM_001322172.2 and 3 more transcripts); c.*57A>G (NM_001283248.3); and 9 more; short protein forms I195V, I207V, I241V, Y206C, I179V, I334V, Y178C, I220V.
Identifiers: ClinVar variation 1938286 (VCV001938286.2), dbSNP rs1283338888, ClinGen allele CA410700485.